The following is an entry in ClinVar:

NM_014874.4(MFN2):c.1691G>C (p.Arg564Pro)

Genes: MFN2 (mitofusin 2; plus strand), LOC129929426 (ATAC-STARR-seq lymphoblastoid active region 185; plus strand). Cytogenetic location: 1p36.22.
Variant type: single nucleotide variant.
Coding change: c.1691G>C on transcript NM_014874.4 (MANE Select); coding-DNA position 1691, G replaced by C.
Protein change: p.Arg564Pro; replaces arginine 564 with proline.
Molecular consequence: missense variant.
Genome position (GRCh38, 1-based): chr1:12,005,906, G>C. VCF-style: chr1-12005906-G-C. GRCh37 (hg19) VCF-style: chr1-12065963-G-C.
Other names: c.1691G>C, p.Arg564Pro (NM_001127660.2); short protein forms R564P.
Identifiers: ClinVar variation 3029072 (VCV003029072.2), dbSNP rs746213217, ClinGen allele CA338448242.

ClinVar aggregate classification (germline): Uncertain significance (0 of 4 stars; one submission).

Conditions:
MFN2-related disorder. Also called: MFN2-related condition; MFN2-related disorders.

gnomAD v4.1: 11 of 1,613,702 alleles (0.00068%); highest among the groups gnomAD compares: Non-Finnish European, 0.00093%; no homozygotes.

Submission:

PreventionGenetics, part of Exact Sciences
Classification: Uncertain significance for MFN2-related condition. Last evaluated: 2023-11-01. Review status: no assertion criteria provided. Collection method: clinical testing. Allele origin: germline.
Comment: The MFN2 c.1691G>C variant is predicted to result in the amino acid substitution p.Arg564Pro. To our knowledge, this variant has not been reported in the literature or in a large population database, indicating this variant is rare. At this time, the clinical significance of this variant is uncertain due to the absence of conclusive functional and genetic evidence.